The following is an entry in ClinVar:

ClinVar aggregate classification (germline): Likely benign. Review status: criteria provided, multiple submitters, no conflicts (2 of 4 stars). 4 submissions from 4 submitters: Likely benign (4). Last evaluated 2026-06-01.

Conditions:
Congenital disorder of glycosylation, type Iaa. Also called: Congenital disorder of glycosylation, type 1aa. Identifiers: MedGen C4310727, MONDO:0014904, OMIM 617082.

Allele frequency attached by ClinVar (database versions not stated): ExAC 0.00018; gnomAD 0.00019 and 0.00022; 1000 Genomes Project 30x 0.00031; 1000 Genomes Project 0.00040.
gnomAD v4.1: 176 of 1,543,662 alleles (0.011%); highest among the groups gnomAD compares: Middle Eastern, 0.32%; no homozygotes.

Submissions (4):

CeGaT Center for Human Genetics Tuebingen
Classification: Likely benign. Last evaluated: 2026-06-01. Review status: criteria provided, single submitter. Criteria: CeGaT Center For Human Genetics Tuebingen Variant Classification Criteria Version 2. Collection method: clinical testing. Allele origin: germline. Affected: yes. Observed: 3 variant alleles.
Comment: NUS1: BP4, BP7

Labcorp Genetics (formerly Invitae), Labcorp
Classification: Likely benign for Congenital disorder of glycosylation, type Iaa. Last evaluated: 2026-01-11. Review status: criteria provided, single submitter. Criteria: Invitae Variant Classification Sherloc (09022015). Collection method: clinical testing. Allele origin: germline.

Blueprint Genetics
Classification: Likely benign. Last evaluated: 2023-12-29. Review status: criteria provided, single submitter. Criteria: ACMG Guidelines, 2015. Collection method: clinical testing. Allele origin: germline.

Breakthrough Genomics
Classification: Likely benign. Review status: criteria provided, single submitter. Criteria: ACMG Guidelines, 2015. Collection method: not provided. Allele origin: germline. Inheritance: Autosomal recessive inheritance. Affected: yes.

NM_138459.5(NUS1):c.69C>G (p.Thr23=)

Gene: NUS1 (NUS1 dehydrodolichyl diphosphate synthase subunit; plus strand). Cytogenetic location: 6q22.1.
Variant type: single nucleotide variant.
Coding change: c.69C>G on transcript NM_138459.5 (MANE Select); coding-DNA position 69, C replaced by G.
Protein change: p.Thr23=; no amino-acid change (threonine 23 retained).
Molecular consequence: synonymous variant.
Genome position (GRCh38, 1-based): chr6:117,675,739, C>G. VCF-style: chr6-117675739-C-G. GRCh37 (hg19) VCF-style: chr6-117996902-C-G.
Identifiers: ClinVar variation 1126256 (VCV001126256.34), dbSNP rs568916715, ClinGen allele CA3977070.
Genomic context (GRCh38, chr6:117,675,739, plus strand): 5'-GCTGTACGAGCTGGTGTGGCGGGTGCTGCACGCGCTGCTCTGTCTGCACCGCACGCTCAC[C>G]TCCTGGCTCCGCGTTCGGTTCGGCACCTGGAACTGGATCTGGCGGCGCTGCTGCCGCGCC-3'
Protein context (NP_612468.1, residues 13-33): HALLCLHRTL[Thr23=]SWLRVRFGTW